The following is an entry in ClinVar:

ClinVar aggregate classification (germline): Uncertain significance (1 of 4 stars; one submission).

Conditions:
Hypertrophic cardiomyopathy 14. Identifiers: MedGen C2750467, MONDO:0013197, OMIM 613251.

Submission:

Labcorp Genetics (formerly Invitae), Labcorp
Classification: Uncertain significance for Hypertrophic cardiomyopathy 14. Last evaluated: 2021-12-05. Review status: criteria provided, single submitter. Criteria: Invitae Variant Classification Sherloc (09022015). Collection method: clinical testing. Allele origin: germline.
Comment: In summary, the available evidence is currently insufficient to determine the role of this variant in disease. Therefore, it has been classified as a Variant of Uncertain Significance. Experimental studies and prediction algorithms are not available or were not evaluated, and the functional significance of this variant is currently unknown. This variant has not been reported in the literature in individuals affected with MYH6-related conditions. This variant results in the deletion of exons 1-20 and part of exon 21 (c.-16716_2531del) of the MYH6 gene. It is expected to result in an absent or disrupted protein product. However, the current clinical and genetic evidence is not sufficient to establish whether loss-of-function variants in MYH6 cause disease.

NC_000014.8:g.(?_23863431)_(23894131_?)del

Genes: MIR208B (microRNA 208b; minus strand), MYH6 (myosin heavy chain 6; minus strand), MYH7 (myosin heavy chain 7; minus strand). Cytogenetic location: 14q11.2.
Variant type: Deletion.
Identifiers: ClinVar variation 2424460 (VCV002424460.4).